The following is an entry in ClinVar:

NM_152618.3(BBS12):c.1166A>G (p.Glu389Gly)

Gene: BBS12 (Bardet-Biedl syndrome 12; plus strand). Cytogenetic location: 4q27.
Variant type: single nucleotide variant.
Coding change: c.1166A>G on transcript NM_152618.3 (MANE Select); coding-DNA position 1166, A replaced by G.
Protein change: p.Glu389Gly; replaces glutamic acid 389 with glycine.
Molecular consequence: missense variant.
Genome position (GRCh38, 1-based): chr4:122,743,058, A>G. VCF-style: chr4-122743058-A-G. GRCh37 (hg19) VCF-style: chr4-123664213-A-G.
Other names: c.1166A>G, p.Glu389Gly (NM_001178007.2); short protein forms E389G.
Identifiers: ClinVar variation 1493746 (VCV001493746.7), dbSNP rs374270431, ClinGen allele CA105249198.
Genomic context (GRCh38, chr4:122,743,058, plus strand): 5'-ACCTGGGATTTAATAAGTCTGCAAATATTAAAACAGTATTAGATAGCATGCGGCTTCAAG[A>G]AGACAGCTCAGAAGAACTGTGGGCAAATCACGTGTTACAGGTGTTAATCCAGTTCAAGGT-3'
Protein context (NP_689831.2, residues 379-399): KTVLDSMRLQ[Glu389Gly]DSSEELWANH

ClinVar aggregate classification (germline): Uncertain significance (1 of 4 stars; one submission).

Conditions:
Bardet-Biedl syndrome (BBS). Identifiers: Orphanet 110, MedGen C0752166, MONDO:0015229.

gnomAD v4.1: 1 of 1,614,140 alleles (0.000062%); highest among the groups gnomAD compares: African/African-American, 0.0013%; no homozygotes.

Submission:

Labcorp Genetics (formerly Invitae), Labcorp
Classification: Uncertain significance for Bardet-Biedl syndrome. Last evaluated: 2023-07-07. Review status: criteria provided, single submitter. Criteria: Invitae Variant Classification Sherloc (09022015). Collection method: clinical testing. Allele origin: germline.
Comment: This sequence change replaces glutamic acid, which is acidic and polar, with glycine, which is neutral and non-polar, at codon 389 of the BBS12 protein (p.Glu389Gly). In summary, the available evidence is currently insufficient to determine the role of this variant in disease. Therefore, it has been classified as a Variant of Uncertain Significance. Advanced modeling of protein sequence and biophysical properties (such as structural, functional, and spatial information, amino acid conservation, physicochemical variation, residue mobility, and thermodynamic stability) performed at Invitae indicates that this missense variant is not expected to disrupt BBS12 protein function. ClinVar contains an entry for this variant (Variation ID: 1493746). This variant has not been reported in the literature in individuals affected with BBS12-related conditions. This variant is not present in population databases (gnomAD no frequency).